The following is an entry in ClinVar:

NC_000006.11:g.(?_393153)_(401797_?)dup

Gene: IRF4 (interferon regulatory factor 4; plus strand). Cytogenetic location: 6p25.3.
Variant type: Duplication.
Identifiers: ClinVar variation 3246164 (VCV003246164.1).

ClinVar aggregate classification (germline): Uncertain significance (1 of 4 stars; one submission).

Submission:

Labcorp Genetics (formerly Invitae), Labcorp
Classification: Uncertain significance. Last evaluated: 2023-07-21. Review status: criteria provided, single submitter. Criteria: Invitae Variant Classification Sherloc (09022015). Collection method: clinical testing. Allele origin: unknown.
Comment: This variant has not been reported in the literature in individuals affected with IRF4-related conditions. This variant results in a copy number gain of the genomic region encompassing exon(s) 2-7 of the IRF4 gene. This region includes the initiator codon of the gene. This copy number gain extends beyond the assayed region for this gene and therefore may encompass additional genes. As the precise location of this event is unknown, it may be in tandem or it may be located elsewhere in the genome. In summary, the available evidence is currently insufficient to determine the role of this variant in disease. Therefore, it has been classified as a Variant of Uncertain Significance.